The following is an entry in ClinVar:

ClinVar aggregate classification (germline): Uncertain significance (1 of 4 stars; one submission).

Submission:

Labcorp Genetics (formerly Invitae), Labcorp
Classification: Uncertain significance. Last evaluated: 2024-11-25. Review status: criteria provided, single submitter. Criteria: Invitae Variant Classification Sherloc (09022015). Collection method: clinical testing. Allele origin: germline.
Comment: This sequence change falls in intron 28 of the POLE gene. It does not directly change the encoded amino acid sequence of the POLE protein. It affects a nucleotide within the consensus splice site. This variant is not present in population databases (gnomAD no frequency). This variant has not been reported in the literature in individuals affected with POLE-related conditions. Variants that disrupt the consensus splice site are a relatively common cause of aberrant splicing (PMID: 17576681, 9536098). Algorithms developed to predict the effect of sequence changes on RNA splicing suggest that this variant is not likely to affect RNA splicing. In summary, the available evidence is currently insufficient to determine the role of this variant in disease. Therefore, it has been classified as a Variant of Uncertain Significance.

Literature cited by the submitters: PubMed 17576681; PubMed 9536098.

NM_006231.4(POLE):c.3459+4A>G

Gene: POLE (DNA polymerase epsilon, catalytic subunit; minus strand). Cytogenetic location: 12q24.33.
Variant type: single nucleotide variant.
Coding change: c.3459+4A>G on transcript NM_006231.4 (MANE Select); 4 bases into the intron after coding-DNA position 3459, A replaced by G.
Molecular consequence: intron variant.
Genome position (GRCh38, 1-based): chr12:132,657,345, T>C on the plus strand (A>G on the coding strand, the complement: POLE is on the minus strand). VCF-style: chr12-132657345-T-C. GRCh37 (hg19) VCF-style: chr12-133233931-T-C.
Identifiers: ClinVar variation 3726052 (VCV003726052.2).
Genomic context (GRCh38, chr12:132,657,345, plus strand): 5'-AGAGACCCTTGTCTAACTGCACAGTTTTTAGCCCCACAGCCCGTGCCACTGACCCCGCCC[T>C]TACCTGCTGCAGGGCCGCAGGGATGGTGATGATCTTCTGGATGGCGCTTCCCAGCCGCTC-3'